The following is an entry in ClinVar:

NM_006031.6(PCNT):c.6977G>A (p.Ser2326Asn)

Gene: PCNT (pericentrin; plus strand). Cytogenetic location: 21q22.3.
Variant type: single nucleotide variant.
Coding change: c.6977G>A on transcript NM_006031.6 (MANE Select); coding-DNA position 6977, G replaced by A.
Protein change: p.Ser2326Asn; replaces serine 2326 with asparagine.
Molecular consequence: missense variant.
Genome position (GRCh38, 1-based): chr21:46,418,259, G>A. VCF-style: chr21-46418259-G-A. GRCh37 (hg19) VCF-style: chr21-47838173-G-A.
Other names: c.6623G>A, p.Ser2208Asn (NM_001315529.2); c.6977G>A (NM_006031.5); short protein forms S2208N, S2326N.
Identifiers: ClinVar variation 1349252 (VCV001349252.5), dbSNP rs201728927, ClinGen allele CA10080478.
Genomic context (GRCh38, chr21:46,418,259, plus strand): 5'-AACAGGAGAAAGATGTCGAAGATTTTATCACAACATCCTTTGATTCTCAAGAAACATTAA[G>A]TTCACCTCCTCCTGGATTAGAAGGAAAAGCTGATAGAAGTGAGAAAAGTGAGTTGGTTAT-3'
Protein context (NP_006022.3, residues 2316-2336): TTSFDSQETL[Ser2326Asn]SPPPGLEGKA

ClinVar aggregate classification (germline): Conflicting classifications of pathogenicity. Review status: criteria provided, conflicting classifications (1 of 4 stars). 3 submissions from 3 submitters: Uncertain significance (2); Likely benign (1). Last evaluated 2026-02-12.

Conditions:
PCNT-related disorder. Also called: PCNT-related condition.
Inborn genetic diseases. Identifiers: MedGen C0950123, MeSH D030342.

Allele frequency attached by ClinVar (database versions not stated): ExAC 0.00009; gnomAD 0.00012 and 0.00013; gnomAD exomes 0.00012; TOPMed 0.00014; ESP Exome Variant Server 0.00015.
gnomAD v4.1: 195 of 1,610,048 alleles (0.012%); highest among the groups gnomAD compares: Non-Finnish European, 0.011%; no homozygotes.

Submissions (3):

PreventionGenetics, part of Exact Sciences
Classification: Likely benign for PCNT-related condition. Last evaluated: 2026-02-12. Review status: criteria provided, single submitter. Criteria: ACMG Guidelines, 2015. Collection method: clinical testing. Allele origin: germline.
Comment: This variant is classified as likely benign based on ACMG/AMP sequence variant interpretation guidelines (Richards et al. 2015 PMID: 25741868, with internal and published modifications).

Ambry Genetics
Classification: Uncertain significance for Inborn genetic diseases. Last evaluated: 2022-12-15. Review status: criteria provided, single submitter. Criteria: Ambry Variant Classification Scheme 2023. Collection method: clinical testing. Allele origin: germline.

Labcorp Genetics (formerly Invitae), Labcorp
Classification: Uncertain significance. Last evaluated: 2022-08-16. Review status: criteria provided, single submitter. Criteria: Invitae Variant Classification Sherloc (09022015). Collection method: clinical testing. Allele origin: germline.
Comment: This sequence change replaces serine, which is neutral and polar, with asparagine, which is neutral and polar, at codon 2326 of the PCNT protein (p.Ser2326Asn). This variant is present in population databases (rs201728927, gnomAD 0.2%). This variant has not been reported in the literature in individuals affected with PCNT-related conditions. ClinVar contains an entry for this variant (Variation ID: 1349252). Algorithms developed to predict the effect of missense changes on protein structure and function are either unavailable or do not agree on the potential impact of this missense change (SIFT: "Tolerated"; PolyPhen-2: "Possibly Damaging"; Align-GVGD: "Class C0"). In summary, the available evidence is currently insufficient to determine the role of this variant in disease. Therefore, it has been classified as a Variant of Uncertain Significance.